The following is an entry in ClinVar:

NM_006389.5(HYOU1):c.1457G>T (p.Arg486Leu)

Gene: HYOU1 (hypoxia up-regulated 1; minus strand). Cytogenetic location: 11q23.3.
Variant type: single nucleotide variant.
Coding change: c.1457G>T on transcript NM_006389.5 (MANE Select); coding-DNA position 1457, G replaced by T.
Protein change: p.Arg486Leu; replaces arginine 486 with leucine.
Molecular consequence: missense variant.
Genome position (GRCh38, 1-based): chr11:119,051,507, C>A on the plus strand (G>T on the coding strand, the complement: HYOU1 is on the minus strand). VCF-style: chr11-119051507-C-A. GRCh37 (hg19) VCF-style: chr11-118922219-C-A.
Other names: c.1457G>T, p.Arg486Leu (NM_001130991.3, NM_001411041.1); short protein forms R486L.
Identifiers: ClinVar variation 2063145 (VCV002063145.4), dbSNP rs782795154, ClinGen allele CA382937474.

ClinVar aggregate classification (germline): Uncertain significance (1 of 4 stars; one submission).

Submission:

Labcorp Genetics (formerly Invitae), Labcorp
Classification: Uncertain significance. Last evaluated: 2021-12-27. Review status: criteria provided, single submitter. Criteria: Invitae Variant Classification Sherloc (09022015). Collection method: clinical testing. Allele origin: germline.
Comment: In summary, the available evidence is currently insufficient to determine the role of this variant in disease. Therefore, it has been classified as a Variant of Uncertain Significance. Algorithms developed to predict the effect of missense changes on protein structure and function are either unavailable or do not agree on the potential impact of this missense change (SIFT: "Not Available"; PolyPhen-2: "Probably Damaging"; Align-GVGD: "Not Available"). This variant has not been reported in the literature in individuals affected with HYOU1-related conditions. This variant is not present in population databases (gnomAD no frequency). This sequence change replaces arginine, which is basic and polar, with leucine, which is neutral and non-polar, at codon 486 of the HYOU1 protein (p.Arg486Leu).